The following is an entry in ClinVar:

ClinVar aggregate classification (germline): Uncertain significance. Review status: criteria provided, multiple submitters, no conflicts (2 of 4 stars). 2 submissions from 2 submitters: Uncertain significance (2). Last evaluated 2026-05-19.

Conditions:
Charcot-Marie-Tooth disease type 2. Also called: Charcot-Marie-Tooth type 2. Identifiers: Orphanet 64746, MedGen C0270914, MONDO:0018993.

Submissions (2):

Ambry Genetics
Classification: Uncertain significance. Last evaluated: 2026-05-19. Review status: criteria provided, single submitter. Criteria: Ambry Variant Classification Scheme 2023. Collection method: clinical testing. Allele origin: germline.
Comment: The p.V585A variant (also known as c.1754T>C), located in coding exon 18 of the KIF1B gene, results from a T to C substitution at nucleotide position 1754. The valine at codon 585 is replaced by alanine, an amino acid with similar properties. This amino acid position is conserved. In addition, this alteration is predicted to be deleterious by in silico analysis. Based on the available evidence, the clinical significance of this variant remains unclear.

Labcorp Genetics (formerly Invitae), Labcorp
Classification: Uncertain significance for Charcot-Marie-Tooth disease type 2. Last evaluated: 2025-07-17. Review status: criteria provided, single submitter. Criteria: Invitae Variant Classification Sherloc (09022015). Collection method: clinical testing. Allele origin: germline.
Comment: This sequence change replaces valine, which is neutral and non-polar, with alanine, which is neutral and non-polar, at codon 585 of the KIF1B protein (p.Val585Ala). This variant is not present in population databases (gnomAD no frequency). This variant has not been reported in the literature in individuals affected with KIF1B-related conditions. ClinVar contains an entry for this variant (Variation ID: 1713453). Invitae Evidence Modeling of protein sequence and biophysical properties (such as structural, functional, and spatial information, amino acid conservation, physicochemical variation, residue mobility, and thermodynamic stability) indicates that this missense variant is expected to disrupt KIF1B protein function with a positive predictive value of 80%. In summary, the available evidence is currently insufficient to determine the role of this variant in disease. Therefore, it has been classified as a Variant of Uncertain Significance.

NM_001365951.3(KIF1B):c.1892T>C (p.Val631Ala)

Gene: KIF1B (kinesin family member 1B; plus strand). Cytogenetic location: 1p36.22.
Variant type: single nucleotide variant.
Coding change: c.1892T>C on transcript NM_001365951.3 (MANE Select); coding-DNA position 1892, T replaced by C.
Protein change: p.Val631Ala; replaces valine 631 with alanine.
Molecular consequence: missense variant.
Genome position (GRCh38, 1-based): chr1:10,296,927, T>C. VCF-style: chr1-10296927-T-C. GRCh37 (hg19) VCF-style: chr1-10356985-T-C.
Other names: c.1892T>C, p.Val631Ala (NM_001365952.1); c.1754T>C, p.Val585Ala (NM_001365953.1, NM_015074.3, NM_183416.4); short protein forms V585A, V631A.
Identifiers: ClinVar variation 1713453 (VCV001713453.6), dbSNP rs2521401774, ClinGen allele CA338316681.